The following is an entry in ClinVar:

NM_004186.5(SEMA3F):c.1818C>T (p.Asn606=)

Gene: SEMA3F (semaphorin 3F; plus strand). Cytogenetic location: 3p21.31.
Variant type: single nucleotide variant.
Coding change: c.1818C>T on transcript NM_004186.5 (MANE Select); coding-DNA position 1818, C replaced by T.
Protein change: p.Asn606=; no amino-acid change (asparagine 606 retained).
Molecular consequence: synonymous variant.
Genome position (GRCh38, 1-based): chr3:50,186,617, C>T. VCF-style: chr3-50186617-C-T. GRCh37 (hg19) VCF-style: chr3-50224050-C-T.
Other names: c.1521C>T, p.Asn507= (NM_001318798.2); c.1725C>T, p.Asn575= (NM_001318800.2).
Identifiers: ClinVar variation 3355854 (VCV003355854.1).
Genomic context (GRCh38, chr3:50,186,617, plus strand): 5'-GTCAGCAGGCTGCCCGGAGGTGATGCTGCTTTTGCTCAACCCCTCTCACTCTAAAGCCAA[C>T]AAGAATGCCGTGGAGTCTGTGCAGTATGGCGTGGCCGGCAGCGCAGCCTTCCTTGAGTGC-3'
Protein context (NP_004177.3, residues 596-616): RQCRGFNSNA[Asn606=]KNAVESVQYG

ClinVar aggregate classification (germline): Likely benign (0 of 4 stars; one submission).

Conditions:
SEMA3F-related disorder. Also called: SEMA3F-related condition.

Submission:

PreventionGenetics, part of Exact Sciences
Classification: Likely benign for SEMA3F-related condition. Last evaluated: 2021-09-24. Review status: no assertion criteria provided. Collection method: clinical testing. Allele origin: germline.
Comment: This variant is classified as likely benign based on ACMG/AMP sequence variant interpretation guidelines (Richards et al. 2015 PMID: 25741868, with internal and published modifications).